The following is an entry in ClinVar:

ClinVar aggregate classification (germline): Uncertain significance (1 of 4 stars; one submission).

Conditions:
Hereditary cancer-predisposing syndrome. Also called: Neoplastic Syndromes, Hereditary; Tumor predisposition; Hereditary neoplastic syndrome; Hereditary Cancer Syndrome. Identifiers: Orphanet 140162, MedGen C0027672, MeSH D009386, MONDO:0015356.

Submission:

Ambry Genetics
Classification: Uncertain significance for Hereditary cancer-predisposing syndrome. Last evaluated: 2022-11-19. Review status: criteria provided, single submitter. Criteria: Ambry Variant Classification Scheme 2023. Collection method: clinical testing. Allele origin: germline.
Comment: The p.E582D variant (also known as c.1746A>T), located in coding exon 11 of the PMS2 gene, results from an A to T substitution at nucleotide position 1746. The glutamic acid at codon 582 is replaced by aspartic acid, an amino acid with highly similar properties. This amino acid position is conserved. In addition, this alteration is predicted to be tolerated by in silico analysis. Since supporting evidence is limited at this time, the clinical significance of this alteration remains unclear.

NM_000535.7(PMS2):c.1746A>T (p.Glu582Asp)

Gene: PMS2 (PMS1 homolog 2, mismatch repair system component; minus strand). Cytogenetic location: 7p22.1.
Variant type: single nucleotide variant.
Coding change: c.1746A>T on transcript NM_000535.7 (MANE Select); coding-DNA position 1746, A replaced by T.
Protein change: p.Glu582Asp; replaces glutamic acid 582 with aspartic acid.
Molecular consequence: missense variant. On other transcripts: non-coding transcript variant (1), intron variant (1).
Genome position (GRCh38, 1-based): chr7:5,987,019, T>A on the plus strand (A>T on the coding strand, the complement: PMS2 is on the minus strand). VCF-style: chr7-5987019-T-A. GRCh37 (hg19) VCF-style: chr7-6026650-T-A.
Other names: c.1341A>T, p.Glu447Asp (NM_001018040.1, NM_001322003.2, NM_001322004.2 and 17 more transcripts); c.1590A>T, p.Glu530Asp (NM_001322006.2, NM_001406870.1); c.1428A>T, p.Glu476Asp (NM_001322007.2, NM_001322008.2, NM_001406876.1 and 2 more transcripts); c.1185A>T, p.Glu395Asp (NM_001322010.2, NM_001406906.1, NM_001406907.1); c.813A>T, p.Glu271Asp (NM_001322011.2, NM_001322012.2); c.1173A>T, p.Glu391Asp (NM_001322013.2, NM_001406909.1); c.1746A>T, p.Glu582Asp (NM_001322014.2, NM_001406871.1, NM_001406872.1); c.1437A>T, p.Glu479Asp (NM_001322015.2, NM_001406875.1, NM_001406877.1 and 5 more transcripts); and 13 more; short protein forms E325D, E447D, E460D, E526D, E590D, E271D, E474D, E516D.
Identifiers: ClinVar variation 2451588 (VCV002451588.2), dbSNP rs2128724196, ClinGen allele CA366740057.